The following is an entry in ClinVar:

ClinVar aggregate classification (germline): Uncertain significance (1 of 4 stars; one submission).

Conditions:
Familial cold autoinflammatory syndrome 2 (FCAS2). Identifiers: Orphanet 247868, MedGen C2673198, MONDO:0012724, OMIM 611762.

Allele frequency attached by ClinVar (database versions not stated): TOPMed 0.00001.

Submission:

Labcorp Genetics (formerly Invitae), Labcorp
Classification: Uncertain significance for Familial cold autoinflammatory syndrome 2. Last evaluated: 2022-03-19. Review status: criteria provided, single submitter. Criteria: Invitae Variant Classification Sherloc (09022015). Collection method: clinical testing. Allele origin: germline.
Comment: In summary, the available evidence is currently insufficient to determine the role of this variant in disease. Therefore, it has been classified as a Variant of Uncertain Significance. Algorithms developed to predict the effect of sequence changes on RNA splicing suggest that this variant may disrupt the consensus splice site. ClinVar contains an entry for this variant (Variation ID: 469092). This variant has not been reported in the literature in individuals affected with NLRP12-related conditions. This variant is not present in population databases (gnomAD no frequency). This sequence change falls in intron 3 of the NLRP12 gene. It does not directly change the encoded amino acid sequence of the NLRP12 protein.

NM_144687.4(NLRP12):c.2073-5A>G

Gene: NLRP12 (NLR family pyrin domain containing 12; minus strand). Cytogenetic location: 19q13.42.
Variant type: single nucleotide variant.
Coding change: c.2073-5A>G on transcript NM_144687.4 (MANE Select); 5 bases into the intron before coding-DNA position 2073, A replaced by G.
Molecular consequence: intron variant. On other transcripts: splice acceptor variant (1).
Genome position (GRCh38, 1-based): chr19:53,807,670, T>C on the plus strand (A>G on the coding strand, the complement: NLRP12 is on the minus strand). VCF-style: chr19-53807670-T-C. GRCh37 (hg19) VCF-style: chr19-54310924-T-C.
Other names: c.2073-5A>G (NM_001277129.1); c.2073-2A>G (NM_001277126.2).
Identifiers: ClinVar variation 469092 (VCV000469092.9), dbSNP rs1555795098, ClinGen allele CA407411477.
Genomic context (GRCh38, chr19:53,807,670, plus strand): 5'-ACAGGGCCGCTGCCAGATGTTCACTGTAGGCGTCCAGCAGAACGGTCCTCTCTGGTCTGC[T>C]TGAAGGAAAGACAGGCCACTCTCTGGTGTTACTGGTGCTTGACAACTATGGCCTTTGCAT-3'